The following is an entry in ClinVar:

ClinVar aggregate classification (germline): Uncertain significance (1 of 4 stars; one submission).

Conditions:
Epidermolysis bullosa simplex, Ogna type (EBS5A). Also called: Pidermolysis bullosa simplex 5A, Ogna type; EPIDERMOLYSIS BULLOSA SIMPLEX 5A, OGNA TYPE. Identifiers: Orphanet 79401, MedGen C0432317, MONDO:0007555, OMIM 131950.
Epidermolysis bullosa simplex with nail dystrophy (EBS5D). Identifiers: MedGen C4225309, MONDO:0014661, OMIM 616487.
Epidermolysis bullosa simplex 5C, with pyloric atresia (EBS5C). Also called: PLEC-Related Epidermolysis Bullosa with Pyloric Atresia; Epidermolysis bullosa simplex with pyloric atresia; PLEC1-Related Epidermolysis Bullosa with Pyloric Atresia. Identifiers: Orphanet 158684, MedGen C2677349, MONDO:0012807, OMIM 612138.
Epidermolysis bullosa simplex 5B, with muscular dystrophy (EBS5B). Also called: EPIDERMOLYSIS BULLOSA SIMPLEX AND LIMB-GIRDLE MUSCULAR DYSTROPHY; Epidermolysis bullosa simplex with muscular dystrophy. Identifiers: Orphanet 257, MedGen C2931072, MONDO:0009181, OMIM 226670.
Autosomal recessive limb-girdle muscular dystrophy type 2Q (LGMDR17). Also called: MUSCULAR DYSTROPHY, LIMB-GIRDLE, AUTOSOMAL RECESSIVE 17. Identifiers: Orphanet 254361, MedGen C3150989, MONDO:0013390, OMIM 613723.

Submission:

Labcorp Genetics (formerly Invitae), Labcorp
Classification: Uncertain significance for Autosomal recessive limb-girdle muscular dystrophy type 2Q; Epidermolysis bullosa simplex, Ogna type; Epidermolysis bullosa simplex with nail dystrophy; Epidermolysis bullosa simplex 5C, with pyloric atresia; Epidermolysis bullosa simplex 5B, with muscular dystrophy. Last evaluated: 2022-04-17. Review status: criteria provided, single submitter. Criteria: Invitae Variant Classification Sherloc (09022015). Collection method: clinical testing. Allele origin: germline.
Comment: In summary, the available evidence is currently insufficient to determine the role of this variant in disease. Therefore, it has been classified as a Variant of Uncertain Significance. This sequence change replaces glutamine, which is neutral and polar, with histidine, which is basic and polar, at codon 2993 of the PLEC protein (p.Gln2993His). This variant is not present in population databases (gnomAD no frequency). This variant has not been reported in the literature in individuals affected with PLEC-related conditions. Algorithms developed to predict the effect of missense changes on protein structure and function output the following: SIFT: "Tolerated"; PolyPhen-2: "Benign"; Align-GVGD: "Class C0". The histidine amino acid residue is found in multiple mammalian species, which suggests that this missense change does not adversely affect protein function.

NM_201384.3(PLEC):c.8898G>C (p.Gln2966His)

Gene: PLEC (plectin; minus strand). Cytogenetic location: 8q24.3.
Variant type: single nucleotide variant.
Coding change: c.8898G>C on transcript NM_201384.3 (MANE Select); coding-DNA position 8898, G replaced by C.
Protein change: p.Gln2966His; replaces glutamine 2966 with histidine.
Molecular consequence: missense variant.
Genome position (GRCh38, 1-based): chr8:143,920,923, C>G on the plus strand (G>C on the coding strand, the complement: PLEC is on the minus strand). VCF-style: chr8-143920923-C-G. GRCh37 (hg19) VCF-style: chr8-144995091-C-G.
Other names: c.8979G>C, p.Gln2993His (NM_000445.5); c.5598G>C, p.Gln1866His (NM_001410941.1); c.8856G>C, p.Gln2952His (NM_201378.4); c.8832G>C, p.Gln2944His (NM_201379.3); c.9309G>C, p.Gln3103His (NM_201380.4); c.8802G>C, p.Gln2934His (NM_201381.3); c.8898G>C, p.Gln2966His (NM_201382.4); c.8910G>C, p.Gln2970His (NM_201383.3); short protein forms Q1866H, Q3103H, Q2970H, Q2944H, Q2952H, Q2934H, Q2966H, Q2993H.
Identifiers: ClinVar variation 2120881 (VCV002120881.4), dbSNP rs1460695341, ClinGen allele CA372514978.